The following is an entry in ClinVar:

ClinVar aggregate classification (germline): Likely pathogenic (1 of 4 stars; one submission).

Conditions:
Shashi-Pena syndrome (SHAPNS). Identifiers: Orphanet 689408, MedGen C4310672, MONDO:0014963, OMIM 617190.

Submission:

Laboratorio de Genetica e Diagnostico Molecular, Hospital Israelita Albert Einstein
Classification: Likely pathogenic for Shashi-Pena syndrome. Last evaluated: 2022-04-19. Review status: criteria provided, single submitter. Criteria: ACMG Guidelines, 2015. Collection method: clinical testing. Allele origin: germline. Affected: yes. Observed: 1 variant allele.
Comment: ACMG classification criteria: PVS1 strong, PM2 moderated

NM_018263.6(ASXL2):c.2707C>T (p.Gln903Ter)

Gene: ASXL2 (ASXL transcriptional regulator 2; minus strand). Cytogenetic location: 2p23.3.
Variant type: single nucleotide variant.
Coding change: c.2707C>T on transcript NM_018263.6 (MANE Select); coding-DNA position 2707, C replaced by T.
Protein change: p.Gln903Ter; replaces glutamine 903 with a stop codon.
Molecular consequence: nonsense.
Genome position (GRCh38, 1-based): chr2:25,743,630, G>A on the plus strand (C>T on the coding strand, the complement: ASXL2 is on the minus strand). VCF-style: chr2-25743630-G-A. GRCh37 (hg19) VCF-style: chr2-25966499-G-A.
Other names: c.2533C>T, p.Gln845Ter (NM_001369346.1); c.1927C>T, p.Gln643Ter (NM_001369347.1); short protein forms Q643*, Q845*, Q903*.
Identifiers: ClinVar variation 2431484 (VCV002431484.1), dbSNP rs2465305772, ClinGen allele CA346080469.
Genomic context (GRCh38, chr2:25,743,630, plus strand): 5'-CTGCTGGCAAAGTGCTCGAGGGTGGAGCTGATCCAGCAGGTGCTGTAGTTGCACTGACCT[G>A]GGGTACAGGAAGCTTTTCTAAAGTGGCTGTGGTCAATAAAGATGTTAAAGGGGAGGGAGT-3'